The following is an entry in ClinVar:

NM_024426.6(WT1):c.214C>T (p.Gln72Ter)

Genes: WT1 (WT1 transcription factor; minus strand), LOC107982234 (WT1/WT1-AS bi-directional promoter region; plus strand). Cytogenetic location: 11p13.
Variant type: single nucleotide variant.
Coding change: c.214C>T on transcript NM_024426.6 (MANE Select); coding-DNA position 214, C replaced by T.
Protein change: p.Gln72Ter; replaces glutamine 72 with a stop codon.
Molecular consequence: nonsense. On other transcripts: 5 prime UTR variant (4), non-coding transcript variant (2).
Genome position (GRCh38, 1-based): chr11:32,435,147, G>A on the plus strand (C>T on the coding strand, the complement: WT1 is on the minus strand). VCF-style: chr11-32435147-G-A. GRCh37 (hg19) VCF-style: chr11-32456693-G-A.
Other names: c.214C>T, p.Gln72Ter (NM_001407046.1, NM_001407047.1, NM_001407048.1 and 6 more transcripts); c.-6C>T (NM_001429031.1, NM_001429032.1, NM_001429033.1 and 1 more transcripts); short protein forms Q67*, Q72*.
Identifiers: ClinVar variation 5018752 (VCV005018752.2).

ClinVar aggregate classification (germline): Likely pathogenic (1 of 4 stars; one submission).

Conditions:
Wilms tumor 1 (WT1). Also called: Wilms tumor, somatic. Identifiers: Orphanet 654, MedGen CN033288, MONDO:0008679, OMIM 194070.

Submission:

Juno Genomics, Hangzhou Juno Genomics, Inc
Classification: Likely pathogenic for Wilms tumor 1. Review status: criteria provided, single submitter. Criteria: ACMG Guidelines, 2015. Collection method: clinical testing. Allele origin: germline.
Comment: Absent from controls (or at extremely low frequency if recessive) in Genome Aggregation Database.;Null variant in a gene where loss of function (LOF) is a known mechanism of disease.